The following is an entry in ClinVar:

ClinVar aggregate classification (germline): Pathogenic (1 of 4 stars; one submission).

Submission:

Labcorp Genetics (formerly Invitae), Labcorp
Classification: Pathogenic. Last evaluated: 2021-09-13. Review status: criteria provided, single submitter. Criteria: Invitae Variant Classification Sherloc (09022015). Collection method: clinical testing. Allele origin: germline.
Comment: For these reasons, this variant has been classified as Pathogenic. This variant has not been reported in the literature in individuals affected with COL4A5-related conditions. This variant is not present in population databases (ExAC no frequency). This sequence change creates a premature translational stop signal (p.Val820Argfs*36) in the COL4A5 gene. It is expected to result in an absent or disrupted protein product. Loss-of-function variants in COL4A5 are known to be pathogenic (PMID: 9195222, 10752524, 14514738, 24854265, 26809805).

Literature cited by the submitters: PubMed 9195222; PubMed 10752524; PubMed 14514738; PubMed 24854265; PubMed 26809805.

NM_033380.3(COL4A5):c.2454_2457dup (p.Val820fs)

Gene: COL4A5 (collagen type IV alpha 5 chain; plus strand). Cytogenetic location: Xq22.3.
Variant type: Duplication.
Coding change: c.2454_2457dup on transcript NM_033380.3 (MANE Select); coding-DNA positions 2454 to 2457, 4 bases duplicated (AGGT; older notation c.2454_2457dupAGGT).
Protein change: p.Val820fs; shifts the reading frame from valine 820.
Molecular consequence: frameshift variant.
Genome position (GRCh38, 1-based): chrX:108,614,969-108,614,972, AGGT duplicated; duplicating any 4 consecutive bases within chrX:108,614,968-108,614,972 gives the same sequence; the c. name uses the placement nearest the transcript's 3' end. VCF-style (leftmost placement, unchanged base first): chrX-108614967-A-ATAGG. GRCh37 (hg19) VCF-style: chrX-107858197-A-ATAGG.
Other names: c.2454_2457dup, p.Val820fs (NM_000495.5); short protein forms V820fs.
Identifiers: ClinVar variation 1399503 (VCV001399503.6), dbSNP rs2147849950, ClinGen allele CA2573159098.
Genomic context (GRCh38, chrX:108,614,967, plus strand): 5'-AAAGGTGATGTTGGACCAAATGGACAACCTGGACCAATGGGACCTCCTGGGCTGCCAGGA[A>ATAGG]TAGGTGTTCAGGGACCACCAGGACCACCAGGGATTCCTGGGCCAATAGGTCAACCTGGTA-3'